The following is an entry in ClinVar:

NM_006015.6(ARID1A):c.2717A>C (p.Asn906Thr)

Gene: ARID1A (AT-rich interaction domain 1A; plus strand). Cytogenetic location: 1p36.11.
Variant type: single nucleotide variant.
Coding change: c.2717A>C on transcript NM_006015.6 (MANE Select); coding-DNA position 2717, A replaced by C.
Protein change: p.Asn906Thr; replaces asparagine 906 with threonine.
Molecular consequence: missense variant.
Genome position (GRCh38, 1-based): chr1:26,763,270, A>C. VCF-style: chr1-26763270-A-C. GRCh37 (hg19) VCF-style: chr1-27089761-A-C.
Other names: c.2717A>C, p.Asn906Thr (NM_139135.4); short protein forms N906T.
Identifiers: ClinVar variation 4761673 (VCV004761673.1).
Genomic context (GRCh38, chr1:26,763,270, plus strand): 5'-CACCAGGGGGCATGAACCGGAAAACCCAAGAAACTGCTGTCGCCATGCATGTTGCTGCCA[A>C]CTCTATCCAAAACAGGTAAGGCCTGGGAAGCAGAGAGGGTGTCAGTGCAAGAAAATGTAT-3'
Protein context (NP_006006.3, residues 896-916): ETAVAMHVAA[Asn906Thr]SIQNRPPGYP

ClinVar aggregate classification (germline): Uncertain significance (1 of 4 stars; one submission).

gnomAD v4.1: 2 of 1,606,506 alleles (0.00012%); highest among the groups gnomAD compares: Admixed American, 0.0017%; no homozygotes.

Submission:

Labcorp Genetics (formerly Invitae), Labcorp
Classification: Uncertain significance. Last evaluated: 2025-09-08. Review status: criteria provided, single submitter. Criteria: Invitae Variant Classification Sherloc (09022015). Collection method: clinical testing. Allele origin: germline.
Comment: This sequence change replaces asparagine, which is neutral and polar, with threonine, which is neutral and polar, at codon 906 of the ARID1A protein (p.Asn906Thr). This variant is present in population databases (no rsID available, gnomAD 0.003%). This variant has not been reported in the literature in individuals affected with ARID1A-related conditions. Invitae Evidence Modeling of protein sequence and biophysical properties (such as structural, functional, and spatial information, amino acid conservation, physicochemical variation, residue mobility, and thermodynamic stability) indicates that this missense variant is not expected to disrupt ARID1A protein function with a negative predictive value of 80%. In summary, the available evidence is currently insufficient to determine the role of this variant in disease. Therefore, it has been classified as a Variant of Uncertain Significance.